The following is an entry in ClinVar:

NM_000138.5(FBN1):c.3810G>A (p.Met1270Ile)

Gene: FBN1 (fibrillin 1; minus strand). Cytogenetic location: 15q21.1.
Variant type: single nucleotide variant.
Coding change: c.3810G>A on transcript NM_000138.5 (MANE Select); coding-DNA position 3810, G replaced by A.
Protein change: p.Met1270Ile; replaces methionine 1270 with isoleucine.
Molecular consequence: missense variant.
Genome position (GRCh38, 1-based): chr15:48,483,846, C>T on the plus strand (G>A on the coding strand, the complement: FBN1 is on the minus strand). VCF-style: chr15-48483846-C-T. GRCh37 (hg19) VCF-style: chr15-48776043-C-T.
Other names: c.3810G>A, p.Met1270Ile (NM_001406716.1); short protein forms M1270I.
Identifiers: ClinVar variation 4758778 (VCV004758778.1).
Genomic context (GRCh38, chr15:48,483,846, plus strand): 5'-ACAAGATGAAAAATTCTGTCTTCTTTGCTTACCTACACAAGTCTTCATGTCTTCAGATGC[C>T]ATGAATCCATCATAACACAAGCACCTGTACTCTCCAGGGATATTTGTGCACTGACCACCA-3'
Protein context (NP_000129.3, residues 1260-1280): EYRCLCYDGF[Met1270Ile]ASEDMKTCVD

ClinVar aggregate classification (germline): Uncertain significance (1 of 4 stars; one submission).

Conditions:
Familial thoracic aortic aneurysm and aortic dissection (TAAD). Also called: Thoracic aortic aneurysms and dissections. Identifiers: Orphanet 91387, MedGen C4707243, MONDO:0019625.

Submission:

Color Diagnostics, LLC DBA Color Health
Classification: Uncertain significance for Familial thoracic aortic aneurysm and aortic dissection. Last evaluated: 2025-06-17. Review status: criteria provided, single submitter. Criteria: ACMG Guidelines, 2015. Collection method: clinical testing. Allele origin: germline.
Comment: This missense variant replaces methionine with isoleucine at codon 1270 of the FBN1 protein. Computational prediction suggests that this variant may not impact protein structure and function. To our knowledge, functional studies have not been reported for this variant. This variant has not been reported in individuals affected with FBN1-related disorders in the literature. This variant has not been identified in the general population by the Genome Aggregation Database (gnomAD). The available evidence is insufficient to determine the role of this variant in disease conclusively. Therefore, this variant is classified as a Variant of Uncertain Significance.